The following is an entry in ClinVar:

NM_000170.3(GLDC):c.975C>G (p.Gly325=)

Gene: GLDC (glycine decarboxylase; minus strand). Cytogenetic location: 9p24.1.
Variant type: single nucleotide variant.
Coding change: c.975C>G on transcript NM_000170.3 (MANE Select); coding-DNA position 975, C replaced by G.
Protein change: p.Gly325=; no amino-acid change (glycine 325 retained).
Molecular consequence: synonymous variant.
Genome position (GRCh38, 1-based): chr9:6,604,671, G>C on the plus strand (C>G on the coding strand, the complement: GLDC is on the minus strand). VCF-style: chr9-6604671-G-C. GRCh37 (hg19) VCF-style: chr9-6604671-G-C.
Other names: c.975C>G (NM_000170.2).
Identifiers: ClinVar variation 1470523 (VCV001470523.9), dbSNP rs748941890, ClinGen allele CA4980908.

ClinVar aggregate classification (germline): Uncertain significance. Review status: criteria provided, single submitter (1 of 4 stars). 2 submissions from 2 submitters: Uncertain significance (1). 1 of the submissions does not count toward it. Last evaluated 2022-08-09.

Conditions:
Glycine encephalopathy. Also called: Non-ketotic hyperglycinemia; Nonketotic hyperglycinemia. Identifiers: Orphanet 407, MedGen C0751748, MONDO:0011612, HP:0008288.

Allele frequency attached by ClinVar (database versions not stated): ExAC 0.00001; gnomAD exomes 0.00001; TOPMed 0.00001.
gnomAD v4.1: 15 of 1,613,984 alleles (0.00093%); highest among the groups gnomAD compares: Non-Finnish European, 0.0013%; no homozygotes.

Submissions (2):

Labcorp Genetics (formerly Invitae), Labcorp
Classification: Uncertain significance for Glycine encephalopathy. Last evaluated: 2022-08-09. Review status: criteria provided, single submitter. Criteria: Invitae Variant Classification Sherloc (09022015). Collection method: clinical testing. Allele origin: germline.
Comment: In summary, the available evidence is currently insufficient to determine the role of this variant in disease. Therefore, it has been classified as a Variant of Uncertain Significance. Algorithms developed to predict the effect of sequence changes on RNA splicing suggest that this variant may disrupt the consensus splice site. ClinVar contains an entry for this variant (Variation ID: 1470523). This variant has not been reported in the literature in individuals affected with GLDC-related conditions. This variant is present in population databases (rs748941890, gnomAD 0.0009%). This sequence change affects codon 325 of the GLDC mRNA. It is a 'silent' change, meaning that it does not change the encoded amino acid sequence of the GLDC protein.

Natera, Inc.
Classification: Uncertain significance for Non-ketotic hyperglycinemia. Last evaluated: 2025-01-14. Review status: no assertion criteria provided. Collection method: clinical testing. Allele origin: germline. Not counted in ClinVar's aggregate classification.